The following is an entry in ClinVar:

NM_025114.4(CEP290):c.3951_3977del (p.Thr1318_Lys1326del)

Gene: CEP290 (centrosomal protein 290; minus strand). Cytogenetic location: 12q21.32.
Variant type: Deletion.
Coding change: c.3951_3977del on transcript NM_025114.4 (MANE Select); coding-DNA positions 3951 to 3977, 27 bases deleted (AACATTGGAGATGGAATTAAAATTAAA).
Protein change: p.Thr1318_Lys1326del.
Molecular consequence: inframe deletion.
Genome position (GRCh38, 1-based): chr12:88,089,084-88,089,110, TTTAATTTTAATTCCATCTCCAATGTT deleted on the plus strand (AACATTGGAGATGGAATTAAAATTAAA on the coding strand, the reverse complement: CEP290 is on the minus strand); deleting any 27 consecutive bases within chr12:88,089,084-88,089,112 gives the same sequence; the c. name uses the placement nearest the transcript's 3' end. VCF-style (leftmost placement, unchanged base first): chr12-88089083-CTTTAATTTTAATTCCATCTCCAATGTT-C. GRCh37 (hg19) VCF-style: chr12-88482860-CTTTAATTTTAATTCCATCTCCAATGTT-C.
Identifiers: ClinVar variation 2203493 (VCV002203493.4), dbSNP rs2500097763, ClinGen allele CA2580086821.

ClinVar aggregate classification (germline): Uncertain significance (1 of 4 stars; one submission).

Conditions:
Joubert syndrome. Also called: CEREBELLOPARENCHYMAL DISORDER IV; JOUBERT-BOLTSHAUSER SYNDROME; Familial aplasia of the vermis. Identifiers: Orphanet 475, MedGen C5979921, MONDO:0018772.
Nephronophthisis. Also called: Juvenile Nephronophthisis. Identifiers: Orphanet 655, MedGen C0687120, MONDO:0019005, HP:0000090.
Meckel-Gruber syndrome. Also called: DYSENCEPHALIA SPLANCHNOCYSTICA; GRUBER SYNDROME; Dysencephalia splachnocystica. Identifiers: Orphanet 564, MedGen C0265215, MONDO:0018921.

Submission:

Labcorp Genetics (formerly Invitae), Labcorp
Classification: Uncertain significance for Joubert syndrome; Meckel-Gruber syndrome; Nephronophthisis. Last evaluated: 2023-08-04. Review status: criteria provided, single submitter. Criteria: Invitae Variant Classification Sherloc (09022015). Collection method: clinical testing. Allele origin: germline.
Comment: This variant has not been reported in the literature in individuals affected with CEP290-related conditions. This variant is not present in population databases (gnomAD no frequency). This variant, c.3951_3977del, results in the deletion of 9 amino acid(s) of the CEP290 protein (p.Thr1318_Lys1326del), but otherwise preserves the integrity of the reading frame. ClinVar contains an entry for this variant (Variation ID: 2203493). In summary, the available evidence is currently insufficient to determine the role of this variant in disease. Therefore, it has been classified as a Variant of Uncertain Significance. Experimental studies and prediction algorithms are not available or were not evaluated, and the functional significance of this variant is currently unknown.